The following is an entry in ClinVar:

ClinVar aggregate classification (germline): Uncertain significance (1 of 4 stars; one submission).

Submission:

Women's Health and Genetics/Laboratory Corporation of America, LabCorp
Classification: Uncertain significance. Last evaluated: 2025-04-24. Review status: criteria provided, single submitter. Criteria: LabCorp Variant Classification Summary - May 2015. Collection method: clinical testing. Allele origin: germline.
Comment: Variant summary: The variant involves the duplication of exons 1-3 in the CDH23 gene. A presumed nomenclature of c.(?_-405)_(145+1_146-1)dup has been designated for the purposes of this classification. The exact breakpoint at the 5' end of this variant is unknown, therefore this duplication may extend upstream of the annotated region of this gene. It is predicted to duplicate a segment including the initiation codon, therefore its impact on the encoded protein is unknown. The variant was absent in 21694 control chromosomes. The available data on variant occurrences in the general population are insufficient to allow any conclusion about variant significance. To our knowledge, no occurrence of c.(?_-405)_(145+1_146-1)dup in individuals affected with Usher Syndrome and no experimental evidence demonstrating its impact on protein function have been reported. No submitters have cited clinical-significance assessments for this variant to ClinVar. Based on the evidence outlined above, the variant was classified as uncertain significance.

NC_000010.10:g.(?_73156676)_(73206153_73269838)dup

Gene: CDH23 (cadherin related 23; plus strand). Cytogenetic location: 10q22.1.
Variant type: Duplication.
Identifiers: ClinVar variation 3896653 (VCV003896653.2).